The following is an entry in ClinVar:

NM_001673.5(ASNS):c.829G>A (p.Ala277Thr)

Genes: ASNS (asparagine synthetase (glutamine-hydrolyzing); minus strand), CZ1P-ASNS (CZ1P-ASNS readthrough; minus strand). Cytogenetic location: 7q21.3.
Variant type: single nucleotide variant.
Coding change: c.829G>A on transcript NM_001673.5 (MANE Select); coding-DNA position 829, G replaced by A.
Protein change: p.Ala277Thr; replaces alanine 277 with threonine.
Molecular consequence: missense variant. On other transcripts: non-coding transcript variant (1).
Genome position (GRCh38, 1-based): chr7:97,858,352, C>T on the plus strand (G>A on the coding strand, the complement: ASNS is on the minus strand). VCF-style: chr7-97858352-C-T. GRCh37 (hg19) VCF-style: chr7-97487664-C-T.
Other names: p.Ala277Thr; c.829G>A, p.Ala277Thr (NM_133436.3, NM_001352496.2, NM_183356.4); c.766G>A, p.Ala256Thr (NM_001178075.2); c.580G>A, p.Ala194Thr (NM_001178076.2, NM_001178077.1); short protein forms A277T, A194T, A256T.
Identifiers: ClinVar variation 445740 (VCV000445740.17), dbSNP rs2070159, ClinGen allele CA4354671.

ClinVar aggregate classification (germline): Benign/Likely benign. Review status: criteria provided, multiple submitters, no conflicts (2 of 4 stars). 5 submissions from 5 submitters: Benign (3); Likely benign (2). Last evaluated 2026-02-02.

Allele frequency attached by ClinVar (database versions not stated): 1000 Genomes Project 0.01258; 1000 Genomes Project 30x 0.01327; gnomAD exomes 0.00096 and 0.00252; ExAC 0.00322; gnomAD 0.00949 and 0.01014; TOPMed 0.01069; ESP Exome Variant Server 0.01169.
gnomAD v4.1: 2,891 of 1,614,120 alleles (0.18%); highest among the groups gnomAD compares: African/African-American, 3.2%; 39 homozygotes.

Submissions (5):

Labcorp Genetics (formerly Invitae), Labcorp
Classification: Benign. Last evaluated: 2026-02-02. Review status: criteria provided, single submitter. Criteria: Invitae Variant Classification Sherloc (09022015). Collection method: clinical testing. Allele origin: germline.

Mayo Clinic Laboratories, Mayo Clinic
Classification: Benign. Last evaluated: 2024-07-03. Review status: criteria provided, single submitter. Criteria: ACMG Guidelines, 2015. Collection method: clinical testing. Allele origin: germline. Observed: 8 variant alleles.
Comment: BS1, BS2, BP4

GeneDx
Classification: Benign. Last evaluated: 2020-08-31. Review status: criteria provided, single submitter. Criteria: GeneDx Variant Classification Process June 2021. Collection method: clinical testing. Allele origin: germline. Affected: yes.

Center for Pediatric Genomic Medicine, Children's Mercy Hospital and Clinics
Classification: Likely benign. Last evaluated: 2017-02-23. Review status: criteria provided, single submitter. Criteria: ACMG Guidelines, 2015. Collection method: clinical testing. Allele origin: germline.

Breakthrough Genomics
Classification: Likely benign. Review status: criteria provided, single submitter. Criteria: ACMG Guidelines, 2015. Collection method: not provided. Allele origin: germline. Inheritance: Autosomal recessive inheritance. Affected: yes.